The following is an entry in ClinVar:

ClinVar aggregate classification (germline): Uncertain significance. Review status: criteria provided, multiple submitters, no conflicts (2 of 4 stars). 2 submissions from 2 submitters: Uncertain significance (2). Last evaluated 2025-06-17.

Conditions:
Hereditary cancer-predisposing syndrome. Also called: Neoplastic Syndromes, Hereditary; Hereditary Cancer Syndrome; Hereditary neoplastic syndrome; Tumor predisposition. Identifiers: Orphanet 140162, MedGen C0027672, MeSH D009386, MONDO:0015356.
Rhabdoid tumor predisposition syndrome 2 (RTPS2). Identifiers: Orphanet 231108, Orphanet 69077, MedGen C2750074, MONDO:0013224, OMIM 613325.

Allele frequency attached by ClinVar (database versions not stated): TOPMed below 0.00001; ExAC 0.00001; gnomAD 0.00001; gnomAD exomes 0.00001; 1000 Genomes Project 30x 0.00016; 1000 Genomes Project 0.00020.

Submissions (2):

Ambry Genetics
Classification: Uncertain significance for Hereditary cancer-predisposing syndrome. Last evaluated: 2025-06-17. Review status: criteria provided, single submitter. Criteria: Ambry Variant Classification Scheme 2023. Collection method: clinical testing. Allele origin: germline.
Comment: The p.R1445C variant (also known as c.4333C>T), located in coding exon 30 of the SMARCA4 gene, results from a C to T substitution at nucleotide position 4333. The arginine at codon 1445 is replaced by cysteine, an amino acid with highly dissimilar properties. This amino acid position is highly conserved in available vertebrate species. In addition, the in silico prediction for this alteration is inconclusive. Based on the available evidence, the clinical significance of this variant remains unclear.

Labcorp Genetics (formerly Invitae), Labcorp
Classification: Uncertain significance for Rhabdoid tumor predisposition syndrome 2. Last evaluated: 2024-10-29. Review status: criteria provided, single submitter. Criteria: Invitae Variant Classification Sherloc (09022015). Collection method: clinical testing. Allele origin: germline.
Comment: This sequence change replaces arginine, which is basic and polar, with cysteine, which is neutral and slightly polar, at codon 1445 of the SMARCA4 protein (p.Arg1445Cys). The frequency data for this variant in the population databases is considered unreliable, as metrics indicate poor data quality at this position in the gnomAD database. This variant has not been reported in the literature in individuals affected with SMARCA4-related conditions. ClinVar contains an entry for this variant (Variation ID: 1058931). Invitae Evidence Modeling of protein sequence and biophysical properties (such as structural, functional, and spatial information, amino acid conservation, physicochemical variation, residue mobility, and thermodynamic stability) has been performed for this missense variant. However, the output from this modeling did not meet the statistical confidence thresholds required to predict the impact of this variant on SMARCA4 protein function. In summary, the available evidence is currently insufficient to determine the role of this variant in disease. Therefore, it has been classified as a Variant of Uncertain Significance.

NM_003072.5(SMARCA4):c.4237C>T (p.Arg1413Cys)

Gene: SMARCA4 (SWI/SNF related BAF chromatin remodeling complex subunit ATPase 4; plus strand). Cytogenetic location: 19p13.2.
Variant type: single nucleotide variant.
Coding change: c.4237C>T on transcript NM_003072.5 (MANE Select); coding-DNA position 4237, C replaced by T.
Protein change: p.Arg1413Cys; replaces arginine 1413 with cysteine.
Molecular consequence: missense variant. On other transcripts: non-coding transcript variant (1).
Genome position (GRCh38, 1-based): chr19:11,041,373, C>T. VCF-style: chr19-11041373-C-T. GRCh37 (hg19) VCF-style: chr19-11152049-C-T.
Other names: c.4237C>T, p.Arg1413Cys (NM_001128844.3); c.4147C>T, p.Arg1383Cys (NM_001128845.2, NM_001128846.2); c.4138C>T, p.Arg1380Cys (NM_001128847.4, NM_001128848.2, NM_001374457.1); c.4333C>T, p.Arg1445Cys (NM_001128849.3, NM_001387283.1); short protein forms R1380C, R1383C, R1413C, R1445C.
Identifiers: ClinVar variation 1058931 (VCV001058931.10), dbSNP rs558017726, ClinGen allele CA9204680.
Genomic context (GRCh38, chr19:11,041,373, plus strand): 5'-GAGGAGGGCACGCTGGAGGAGATCGAAGAGGAGGTCCGGCAGAAGAAATCATCACGGAAG[C>T]GCAAGCGAGACAGCGACGCCGGCTCCTCCACCCCGACCACCAGCACCCGCAGCCGCGACA-3'
Protein context (NP_003063.2, residues 1403-1423): EVRQKKSSRK[Arg1413Cys]KRDSDAGSST